The following is an entry in ClinVar:

NM_001165963.4(SCN1A):c.3879+5G>A

Genes: SCN1A (sodium voltage-gated channel alpha subunit 1; minus strand), LOC102724058 (uncharacterized LOC102724058; plus strand). Cytogenetic location: 2q24.3.
Variant type: single nucleotide variant.
Coding change: c.3879+5G>A on transcript NM_001165963.4 (MANE Select); 5 bases into the intron after coding-DNA position 3879, G replaced by A.
Molecular consequence: intron variant.
Genome position (GRCh38, 1-based): chr2:166,012,104, C>T on the plus strand (G>A on the coding strand, the complement: SCN1A is on the minus strand). VCF-style: chr2-166012104-C-T. GRCh37 (hg19) VCF-style: chr2-166868614-C-T.
Other names: c.3846+5G>A (NM_001353949.2, NM_001353950.2, NM_001353951.2 and 2 more transcripts); c.3795+5G>A (NM_001353958.2, NM_001353957.2, NM_001165964.3); c.3879+5G>A (NM_001202435.3, NM_001353948.2); c.3843+5G>A (NM_001353955.2, NM_001353954.2); c.3792+5G>A (NM_001353960.2); c.1437+5G>A (NM_001353961.2).
Identifiers: ClinVar variation 206809 (VCV000206809.45), dbSNP rs796052999, ClinGen allele CA317399.

ClinVar aggregate classification (germline): Conflicting classifications of pathogenicity. Review status: criteria provided, conflicting classifications (1 of 4 stars). 2 submissions from 2 submitters: Likely pathogenic (1); Uncertain significance (1). Last evaluated 2016-06-01.

Submissions (2):

CeGaT Center for Human Genetics Tuebingen
Classification: Uncertain significance. Last evaluated: 2016-06-01. Review status: criteria provided, single submitter. Criteria: CeGaT Center For Human Genetics Tuebingen Variant Classification Criteria Version 2. Collection method: clinical testing. Allele origin: germline. Affected: yes. Observed: 1 variant allele.

GeneDx
Classification: Likely pathogenic. Last evaluated: 2013-08-06. Review status: criteria provided, single submitter. Criteria: GeneDx Variant Classification (06012015). Collection method: clinical testing. Allele origin: germline. Affected: yes.
Comment: c.3879+5 G>A: IVS19+5 G>A in intron 19 of the SCN1A gene (NM_001165963.1) The c.3879+5 G>A variant has not been published as a mutation, nor has it been reported as a benign polymorphism to our knowledge. It was not observed in approximately 6,000 individuals of European and African American ancestry in the NHLBI Exome Sequencing Project, indicating it is not a common benign variant in these populations. One in silico model predicts it could potentially destroy the natural splice donor site in intron 19. The c.3879+5 G>A sequence change is a strong candidate for a disease-causing mutation; however, in the absence of RNA/functional studies the actual effect of this change is unknown, and the possibility that it is a benign variant cannot be excluded. The variant is found in EPILEPSY panel(s).